The following is an entry in ClinVar:

ClinVar aggregate classification (germline): Benign/Likely benign. Review status: criteria provided, multiple submitters, no conflicts (2 of 4 stars). 5 submissions from 5 submitters: Benign (1); Likely benign (4). Last evaluated 2025-09-23.

Conditions:
Hereditary nonpolyposis colorectal neoplasms. Identifiers: MedGen C0009405, MeSH D003123.
Hereditary cancer-predisposing syndrome. Also called: Hereditary Cancer Syndrome; Hereditary neoplastic syndrome; Neoplastic Syndromes, Hereditary; Tumor predisposition. Identifiers: Orphanet 140162, MedGen C0027672, MeSH D009386, MONDO:0015356.
Lynch syndrome. Identifiers: Orphanet 144, MedGen C4552100, MONDO:0005835. Disease mechanism: loss of function.
Lynch syndrome 5 (LYNCH5). Also called: Hereditary non-polyposis colorectal cancer, type 5; Colorectal cancer, hereditary nonpolyposis, type 5. Identifiers: Orphanet 144, MedGen C1833477, MONDO:0013710, OMIM 614350. Disease mechanism: loss of function.

Allele frequency attached by ClinVar (database versions not stated): gnomAD exomes below 0.00001.
gnomAD v4.1: 3 of 1,614,150 alleles (0.00019%); highest among the groups gnomAD compares: East Asian, 0.0045%; no homozygotes.

Submissions (5):

Labcorp Genetics (formerly Invitae), Labcorp
Classification: Likely benign for Hereditary nonpolyposis colorectal neoplasms. Last evaluated: 2025-09-23. Review status: criteria provided, single submitter. Criteria: Invitae Variant Classification Sherloc (09022015). Collection method: clinical testing. Allele origin: germline.

Myriad Genetics, Inc.
Classification: Benign for Lynch syndrome 5. Last evaluated: 2025-01-03. Review status: criteria provided, single submitter. Criteria: Myriad Autosomal Dominant, Autosomal Recessive and X-Linked Classification Criteria (2023). Collection method: clinical testing. Allele origin: unknown.
Comment: This variant is considered benign. This variant is a silent/synonymous amino acid change and it is not expected to impact splicing.

Department of Pathology and Laboratory Medicine, Sinai Health System
Classification: Likely benign for Lynch syndrome. Last evaluated: 2023-02-23. Review status: criteria provided, single submitter. Criteria: ACMG Guidelines, 2015. Collection method: clinical testing. Allele origin: germline. Affected: yes.

Color Diagnostics, LLC DBA Color Health
Classification: Likely benign for Hereditary cancer-predisposing syndrome. Last evaluated: 2019-07-01. Review status: criteria provided, single submitter. Criteria: ACMG Guidelines, 2015. Collection method: clinical testing. Allele origin: germline.

Ambry Genetics
Classification: Likely benign for Hereditary cancer-predisposing syndrome. Last evaluated: 2017-12-18. Review status: criteria provided, single submitter. Criteria: Ambry Variant Classification Scheme 2023. Collection method: clinical testing. Allele origin: germline.

NM_000179.3(MSH6):c.3187C>T (p.Leu1063=)

Gene: MSH6 (mutS homolog 6; plus strand). Cytogenetic location: 2p16.3.
Variant type: single nucleotide variant.
Coding change: c.3187C>T on transcript NM_000179.3 (MANE Select); coding-DNA position 3187, C replaced by T.
Protein change: p.Leu1063=; no amino-acid change (leucine 1063 retained).
Molecular consequence: synonymous variant.
Genome position (GRCh38, 1-based): chr2:47,803,434, C>T. VCF-style: chr2-47803434-C-T. GRCh37 (hg19) VCF-style: chr2-48030573-C-T.
Other names: c.2797C>T, p.Leu933= (NM_001281492.2); c.2281C>T, p.Leu761= (NM_001281493.2, NM_001281494.2).
Identifiers: ClinVar variation 455241 (VCV000455241.20), dbSNP rs1553331257, ClinGen allele CA426121716.